The following is an entry in ClinVar:

NM_001943.5(DSG2):c.1550C>T (p.Ala517Val)

Gene: DSG2 (desmoglein 2; plus strand). Cytogenetic location: 18q12.1.
Variant type: single nucleotide variant.
Coding change: c.1550C>T on transcript NM_001943.5 (MANE Select); coding-DNA position 1550, C replaced by T.
Protein change: p.Ala517Val; replaces alanine 517 with valine.
Molecular consequence: missense variant.
Genome position (GRCh38, 1-based): chr18:31,536,328, C>T. VCF-style: chr18-31536328-C-T. GRCh37 (hg19) VCF-style: chr18-29116291-C-T.
Other names: short protein forms A517V.
Identifiers: ClinVar variation 163210 (VCV000163210.39), dbSNP rs200509948, ClinGen allele CA021465.

ClinVar aggregate classification (germline): Conflicting classifications of pathogenicity. Review status: criteria provided, conflicting classifications (1 of 4 stars). 15 submissions from 15 submitters: Uncertain significance (1); Benign (4); Likely benign (7). 3 of the submissions do not count toward it. Last evaluated 2026-09-01.

Conditions:
Cardiovascular phenotype. Identifiers: MedGen CN230736.
Cardiomyopathy (CMYO). Also called: Cardiomyopathies. Identifiers: Orphanet 167848, MedGen C0878544, MONDO:0004994, HP:0001638. Inheritance: Various modes of inheritance.
Arrhythmogenic right ventricular dysplasia 10. Also called: ARRHYTHMOGENIC RIGHT VENTRICULAR DYSPLASIA, FAMILIAL, 10; Arrhythmogenic right ventricular dysplasia/cardiomyopathy, type 10; Arrhythmogenic Right Ventricular Dysplasia/Cardiomyopathy10. Identifiers: MedGen C1857777, MONDO:0012434, OMIM 610193.
Hypertrophic cardiomyopathy. Also called: HYPERTROPHIC MYOCARDIOPATHY. Identifiers: Orphanet 217569, MedGen C0007194, MeSH D002312, MONDO:0005045, HP:0001639.

Allele frequency attached by ClinVar (database versions not stated): gnomAD exomes 0.00042; ExAC 0.00057; gnomAD 0.00167 and 0.00184; ESP Exome Variant Server 0.00171; 1000 Genomes Project 0.00180; 1000 Genomes Project 30x 0.00187; TOPMed 0.00229.
gnomAD v4.1: 501 of 1,614,190 alleles (0.031%); highest among the groups gnomAD compares: African/African-American, 0.59%; 3 homozygotes.

Submissions (15):

CeGaT Center for Human Genetics Tuebingen
Classification: Likely benign. Last evaluated: 2026-09-01. Review status: criteria provided, single submitter. Criteria: CeGaT Center For Human Genetics Tuebingen Variant Classification Criteria Version 2. Collection method: clinical testing. Allele origin: germline. Affected: yes. Observed: 2 variant alleles.
Comment: DSG2: BP4, BS1

Labcorp Genetics (formerly Invitae), Labcorp
Classification: Benign for Arrhythmogenic right ventricular dysplasia 10. Last evaluated: 2026-01-28. Review status: criteria provided, single submitter. Criteria: Invitae Variant Classification Sherloc (09022015). Collection method: clinical testing. Allele origin: germline.

Blueprint Genetics
Classification: Likely benign. Last evaluated: 2024-09-30. Review status: criteria provided, single submitter. Criteria: ACMG Guidelines, 2015. Collection method: clinical testing. Allele origin: germline.

Women's Health and Genetics/Laboratory Corporation of America, LabCorp
Classification: Likely benign. Last evaluated: 2021-11-21. Review status: criteria provided, single submitter. Criteria: LabCorp Variant Classification Summary - May 2015. Collection method: clinical testing. Allele origin: germline.

Clinical Molecular Genetics Laboratory, Johns Hopkins All Children's Hospital
Classification: Likely benign for Hypertrophic cardiomyopathy. Last evaluated: 2019-01-02. Review status: criteria provided, single submitter. Criteria: ACMG Guidelines, 2015. Collection method: clinical testing. Allele origin: germline. Affected: yes.

Color Diagnostics, LLC DBA Color Health
Classification: Benign for Cardiomyopathy. Last evaluated: 2018-11-16. Review status: criteria provided, single submitter. Criteria: ACMG Guidelines, 2015. Collection method: clinical testing. Allele origin: germline.

GeneDx
Classification: Likely benign. Last evaluated: 2017-09-25. Review status: criteria provided, single submitter. Criteria: GeneDx Variant Classification (06012015). Collection method: clinical testing. Allele origin: germline. Affected: yes.
Comment: This variant is considered likely benign or benign based on one or more of the following criteria: it is a conservative change, it occurs at a poorly conserved position in the protein, it is predicted to be benign by multiple in silico algorithms, and/or has population frequency not consistent with disease.

Illumina Laboratory Services, Illumina
Classification: Uncertain significance for Arrhythmogenic right ventricular dysplasia 10. Last evaluated: 2017-04-27. Review status: criteria provided, single submitter. Criteria: ICSL Variant Classification Criteria 13 December 2019. Collection method: clinical testing. Allele origin: germline.
Comment: This variant was observed as part of a predisposition screen in an ostensibly healthy population. A literature search was performed for the gene, cDNA change, and amino acid change (where applicable). Publications were found based on this search. However, the evidence from the literature, in combination with allele frequency data from public databases where available, was not sufficient to rule this variant in or out of causing disease. Therefore, this variant is classified as a variant of unknown significance.

Molecular Diagnostic Laboratory for Inherited Cardiovascular Disease, Montreal Heart Institute
Classification: Likely benign. Last evaluated: 2017-03-01. Review status: criteria provided, single submitter. Criteria: ACMG Guidelines, 2015. Collection method: clinical testing. Allele origin: germline. Affected: yes.

Ambry Genetics
Classification: Benign for Cardiovascular phenotype. Last evaluated: 2015-06-03. Review status: criteria provided, single submitter. Criteria: Ambry Variant Classification Scheme 2023. Collection method: clinical testing. Allele origin: germline.

Laboratory for Molecular Medicine, Mass General Brigham Personalized Medicine
Classification: Likely benign. Last evaluated: 2015-03-23. Review status: criteria provided, single submitter. Criteria: LMM Criteria. Collection method: clinical testing. Allele origin: germline. Observed: 4 variant alleles.
Comment: p.Ala517Val in exon 11 of DSG2: This variant is not expected to have clinical si gnificance because it has been identified in 0.7% (65/9800) of African chromosom es by the Exome Aggregation Consortium (ExAC; db SNP rs200509948).

Biesecker Lab/Clinical Genomics Section, National Institutes of Health
Classification: Benign. Last evaluated: 2013-06-24. Review status: criteria provided, single submitter. Criteria: Ng et al. (Circ Cardiovasc Genet. 2013). Collection method: research. Allele origin: unknown. Observed: 2 variant alleles. Study: ClinSeq.
Comment: The study set was not selected for affection status in relation to any cancer. Pathogenicity categories were based on literature curation. See Pubmed ID:23861362 for details.

Medical sequencing

Clinical Genetics DNA and cytogenetics Diagnostics Lab, Erasmus MC, Erasmus Medical Center
Classification: Likely benign. Review status: no assertion criteria provided. Collection method: clinical testing. Allele origin: germline. Affected: yes. Study: VKGL Data-share Consensus. Not counted in ClinVar's aggregate classification.

Clinical Genetics, Academic Medical Center
Classification: Benign. Review status: no assertion criteria provided. Collection method: clinical testing. Allele origin: germline. Affected: yes. Study: VKGL Data-share Consensus. Not counted in ClinVar's aggregate classification.

Joint Genome Diagnostic Labs from Nijmegen and Maastricht, Radboudumc and MUMC+
Classification: Benign. Review status: no assertion criteria provided. Collection method: clinical testing. Allele origin: germline. Affected: yes. Study: VKGL Data-share Consensus. Not counted in ClinVar's aggregate classification.

Literature cited by the submitters: PubMed 23299917 (cited by Women's Health and Genetics/Laboratory Corporation of America, LabCorp); PubMed 21220045 (cited by Women's Health and Genetics/Laboratory Corporation of America, LabCorp and Illumina Laboratory Services, Illumina); PubMed 25213555 (cited by Women's Health and Genetics/Laboratory Corporation of America, LabCorp and Illumina Laboratory Services, Illumina).